The following is an entry in ClinVar:

ClinVar aggregate classification (germline): Uncertain significance (1 of 4 stars; one submission).

Submission:

CeGaT Center for Human Genetics Tuebingen
Classification: Uncertain significance. Last evaluated: 2025-04-01. Review status: criteria provided, single submitter. Criteria: CeGaT Center For Human Genetics Tuebingen Variant Classification Criteria Version 2. Collection method: clinical testing. Allele origin: germline. Affected: yes. Observed: 1 variant allele.
Comment: SRCAP: PM2, BP4

NM_006662.3(SRCAP):c.8462C>T (p.Pro2821Leu)

Gene: SRCAP (Snf2 related CREBBP activator protein; plus strand). Cytogenetic location: 16p11.2.
Variant type: single nucleotide variant.
Coding change: c.8462C>T on transcript NM_006662.3 (MANE Select); coding-DNA position 8462, C replaced by T.
Protein change: p.Pro2821Leu; replaces proline 2821 with leucine.
Molecular consequence: missense variant.
Genome position (GRCh38, 1-based): chr16:30,738,502, C>T. VCF-style: chr16-30738502-C-T. GRCh37 (hg19) VCF-style: chr16-30749823-C-T.
Other names: short protein forms P2821L.
Identifiers: ClinVar variation 3898558 (VCV003898558.7).